The following is an entry in ClinVar:

ClinVar aggregate classification (germline): Conflicting classifications of pathogenicity. Review status: criteria provided, conflicting classifications (1 of 4 stars). 2 submissions from 2 submitters: Uncertain significance (1); Likely benign (1). Last evaluated 2026-08-14.

Conditions:
Hereditary cancer-predisposing syndrome. Also called: Hereditary Cancer Syndrome; Tumor predisposition; Neoplastic Syndromes, Hereditary; Hereditary neoplastic syndrome. Identifiers: Orphanet 140162, MedGen C0027672, MeSH D009386, MONDO:0015356.
Hereditary nonpolyposis colorectal neoplasms. Identifiers: MedGen C0009405, MeSH D003123.

Submissions (2):

Ambry Genetics
Classification: Likely benign for Hereditary cancer-predisposing syndrome. Last evaluated: 2026-08-14. Review status: criteria provided, single submitter. Criteria: Ambry Variant Classification Scheme 2023. Collection method: clinical testing. Allele origin: germline.

Labcorp Genetics (formerly Invitae), Labcorp
Classification: Uncertain significance for Hereditary nonpolyposis colorectal neoplasms. Last evaluated: 2023-07-28. Review status: criteria provided, single submitter. Criteria: Invitae Variant Classification Sherloc (09022015). Collection method: clinical testing. Allele origin: germline.
Comment: ClinVar contains an entry for this variant (Variation ID: 1486220). Advanced modeling of protein sequence and biophysical properties (such as structural, functional, and spatial information, amino acid conservation, physicochemical variation, residue mobility, and thermodynamic stability) performed at Invitae indicates that this missense variant is not expected to disrupt PMS2 protein function. In summary, the available evidence is currently insufficient to determine the role of this variant in disease. Therefore, it has been classified as a Variant of Uncertain Significance. This sequence change replaces serine, which is neutral and polar, with threonine, which is neutral and polar, at codon 482 of the PMS2 protein (p.Ser482Thr). This variant is not present in population databases (gnomAD no frequency). This variant has not been reported in the literature in individuals affected with PMS2-related conditions.

NM_000535.7(PMS2):c.1445G>C (p.Ser482Thr)

Gene: PMS2 (PMS1 homolog 2, mismatch repair system component; minus strand). Cytogenetic location: 7p22.1.
Variant type: single nucleotide variant.
Coding change: c.1445G>C on transcript NM_000535.7 (MANE Select); coding-DNA position 1445, G replaced by C.
Protein change: p.Ser482Thr; replaces serine 482 with threonine.
Molecular consequence: missense variant. On other transcripts: non-coding transcript variant (1).
Genome position (GRCh38, 1-based): chr7:5,987,320, C>G on the plus strand (G>C on the coding strand, the complement: PMS2 is on the minus strand). VCF-style: chr7-5987320-C-G. GRCh37 (hg19) VCF-style: chr7-6026951-C-G.
Other names: c.1445G>C (NM_000535.5); c.1040G>C, p.Ser347Thr (NM_001322003.2, NM_001322004.2, NM_001322005.2 and 1 more transcripts); c.1289G>C, p.Ser430Thr (NM_001322006.2); c.1127G>C, p.Ser376Thr (NM_001322007.2, NM_001322008.2); c.884G>C, p.Ser295Thr (NM_001322010.2); c.512G>C, p.Ser171Thr (NM_001322011.2, NM_001322012.2); c.872G>C, p.Ser291Thr (NM_001322013.2); c.1445G>C, p.Ser482Thr (NM_001322014.2); and 1 more; short protein forms S379T, S291T, S295T, S430T, S171T, S347T, S376T, S482T.
Identifiers: ClinVar variation 1486220 (VCV001486220.10), dbSNP rs2128730498, ClinGen allele CA366741961.